The following is an entry in ClinVar:

NM_000548.5(TSC2):c.1875A>G (p.Ser625=)

Gene: TSC2 (TSC complex subunit 2; plus strand). Cytogenetic location: 16p13.3.
Variant type: single nucleotide variant.
Coding change: c.1875A>G on transcript NM_000548.5 (MANE Select); coding-DNA position 1875, A replaced by G.
Protein change: p.Ser625=; no amino-acid change (serine 625 retained).
Molecular consequence: synonymous variant. On other transcripts: non-coding transcript variant (5).
Genome position (GRCh38, 1-based): chr16:2,071,545, A>G. VCF-style: chr16-2071545-A-G. GRCh37 (hg19) VCF-style: chr16-2121546-A-G.
Other names: c.1875A>G, p.Ser625= (NM_001077183.3, NM_001114382.3, NM_001363528.2 and 6 more transcripts); c.1764A>G, p.Ser588= (NM_001318827.2, NM_001406670.1, NM_001406678.1); c.1728A>G, p.Ser576= (NM_001318829.2, NM_001406675.1, NM_001406676.1 and 1 more transcripts); c.1275A>G, p.Ser425= (NM_001318831.2, NM_001406680.1, NM_001406682.1 and 6 more transcripts); c.1908A>G, p.Ser636= (NM_001318832.2); c.1965A>G, p.Ser655= (NM_001406667.1, NM_001406668.1); c.1863A>G, p.Ser621= (NM_001406671.1, NM_001406673.1); c.1818A>G, p.Ser606= (NM_001406677.1); and 3 more.
Identifiers: ClinVar variation 2049603 (VCV002049603.6), dbSNP rs1555505786, ClinGen allele CA492950308.
Genomic context (GRCh38, chr16:2,071,545, plus strand): 5'-GCTTTCACCATCCTCTTCCTGACAGGCCTTTGACTTCCTGTTGCTGCTGCGGGCCGACTC[A>G]CTGCACCGCCTGGGCCTGCCCAACAAGGATGGAGTCGTGCGGTTCAGCCCCTACTGCGTC-3'
Protein context (NP_000539.2, residues 615-635): FDFLLLLRAD[Ser625=]LHRLGLPNKD

ClinVar aggregate classification (germline): Likely benign. Review status: criteria provided, multiple submitters, no conflicts (2 of 4 stars). 3 submissions from 3 submitters: Likely benign (3). Last evaluated 2025-03-29.

Conditions:
Hereditary cancer-predisposing syndrome. Also called: Neoplastic Syndromes, Hereditary; Hereditary Cancer Syndrome; Tumor predisposition; Hereditary neoplastic syndrome. Identifiers: Orphanet 140162, MedGen C0027672, MeSH D009386, MONDO:0015356.
Tuberous sclerosis syndrome (TSC). Also called: Tuberous Sclerosis Complex; Tuberous sclerosis. Identifiers: Orphanet 805, MedGen C0041341, MONDO:0001734.
Tuberous sclerosis 2 (TSC2). Identifiers: Orphanet 805, MedGen C1860707, MONDO:0013199, OMIM 613254.

Submissions (3):

Ambry Genetics
Classification: Likely benign for Hereditary cancer-predisposing syndrome. Last evaluated: 2025-03-29. Review status: criteria provided, single submitter. Criteria: Ambry Variant Classification Scheme 2023. Collection method: clinical testing. Allele origin: germline.

All of Us Research Program, National Institutes of Health
Classification: Likely benign for Tuberous sclerosis syndrome. Last evaluated: 2023-04-28. Review status: criteria provided, single submitter. Criteria: ACMG Guidelines, 2015. Collection method: clinical testing. Allele origin: germline. Inheritance: Autosomal dominant inheritance. Observed: 1 variant allele, 1 heterozygote.
Comment: This study involves interpretation of variants in research participants for the purpose of population health screening. Participant phenotype was not available at the time of variant classification. Additional details can be found in publication PMID: 35346344, PMCID: PMC8962531

Labcorp Genetics (formerly Invitae), Labcorp
Classification: Likely benign for Tuberous sclerosis 2. Last evaluated: 2022-04-24. Review status: criteria provided, single submitter. Criteria: Invitae Variant Classification Sherloc (09022015). Collection method: clinical testing. Allele origin: germline.